The following is an entry in ClinVar:

ClinVar aggregate classification (germline): Uncertain significance (1 of 4 stars; one submission).

Submission:

Labcorp Genetics (formerly Invitae), Labcorp
Classification: Uncertain significance. Last evaluated: 2024-02-24. Review status: criteria provided, single submitter. Criteria: Invitae Variant Classification Sherloc (09022015). Collection method: clinical testing. Allele origin: germline.
Comment: This sequence change replaces aspartic acid, which is acidic and polar, with asparagine, which is neutral and polar, at codon 680 of the DNM1L protein (p.Asp680Asn). This variant is not present in population databases (gnomAD no frequency). This variant has not been reported in the literature in individuals affected with DNM1L-related conditions. ClinVar contains an entry for this variant (Variation ID: 1372186). An algorithm developed to predict the effect of missense changes on protein structure and function (PolyPhen-2) suggests that this variant is likely to be disruptive. In summary, the available evidence is currently insufficient to determine the role of this variant in disease. Therefore, it has been classified as a Variant of Uncertain Significance.

NM_012062.5(DNM1L):c.2038G>A (p.Asp680Asn)

Gene: DNM1L (dynamin 1 like; plus strand). Cytogenetic location: 12p11.21.
Variant type: single nucleotide variant.
Coding change: c.2038G>A on transcript NM_012062.5 (MANE Select); coding-DNA position 2038, G replaced by A.
Protein change: p.Asp680Asn; replaces aspartic acid 680 with asparagine.
Molecular consequence: missense variant.
Genome position (GRCh38, 1-based): chr12:32,742,632, G>A. VCF-style: chr12-32742632-G-A. GRCh37 (hg19) VCF-style: chr12-32895566-G-A.
Other names: c.2005G>A, p.Asp669Asn (NM_001278463.2); c.2077G>A, p.Asp693Asn (NM_001278464.2); c.2044G>A, p.Asp682Asn (NM_001278465.2); c.1429G>A, p.Asp477Asn (NM_001278466.2); c.1966G>A, p.Asp656Asn (NM_001330380.2); c.1927G>A, p.Asp643Asn (NM_005690.5); c.1960G>A, p.Asp654Asn (NM_012063.4); short protein forms D680N, D693N, D643N, D654N, D656N, D682N, D477N, D669N.
Identifiers: ClinVar variation 1372186 (VCV001372186.6), dbSNP rs2137611597, ClinGen allele CA384365628.